The following is an entry in ClinVar:

ClinVar aggregate classification (germline): Uncertain significance. Review status: criteria provided, multiple submitters, no conflicts (2 of 4 stars). 3 submissions from 3 submitters: Uncertain significance (3). Last evaluated 2025-11-05.

Conditions:
Inborn genetic diseases. Identifiers: MedGen C0950123, MeSH D030342.
Hermansky-Pudlak syndrome 1 (HPS1). Also called: DELTA STORAGE POOL DISEASE. Identifiers: Orphanet 231500, Orphanet 79430, MedGen C2931875, MONDO:0008748, OMIM 203300.

Allele frequency attached by ClinVar (database versions not stated): ExAC 0.00005; gnomAD 0.00006; TOPMed 0.00008; gnomAD exomes 0.00002 and 0.00003; ESP Exome Variant Server 0.00016.
gnomAD v4.1: 33 of 1,552,666 alleles (0.0021%); highest among the groups gnomAD compares: African/African-American, 0.023%; no homozygotes.

Submissions (3):

Ambry Genetics
Classification: Uncertain significance for Inborn genetic diseases. Last evaluated: 2025-11-05. Review status: criteria provided, single submitter. Criteria: Ambry Variant Classification Scheme 2023. Collection method: clinical testing. Allele origin: germline.

Fulgent Genetics
Classification: Uncertain significance for Hermansky-Pudlak syndrome 1. Last evaluated: 2022-02-09. Review status: criteria provided, single submitter. Criteria: ACMG Guidelines, 2015. Collection method: clinical testing. Allele origin: unknown.

GeneDx
Classification: Uncertain significance. Last evaluated: 2019-06-04. Review status: criteria provided, single submitter. Criteria: GeneDx Variant Classification Process June 2021. Collection method: clinical testing. Allele origin: germline. Affected: yes.
Comment: In silico analysis, which includes protein predictors and evolutionary conservation, supports that this variant does not alter protein structure/function; Has not been previously published as pathogenic or benign to our knowledge

NM_000195.5(HPS1):c.760G>A (p.Asp254Asn)

Gene: HPS1 (HPS1 biogenesis of lysosomal organelles complex 3 subunit 1; minus strand). Cytogenetic location: 10q24.2.
Variant type: single nucleotide variant.
Coding change: c.760G>A on transcript NM_000195.5 (MANE Select); coding-DNA position 760, G replaced by A.
Protein change: p.Asp254Asn; replaces aspartic acid 254 with asparagine.
Molecular consequence: missense variant. On other transcripts: 5 prime UTR variant (3), synonymous variant (2).
Genome position (GRCh38, 1-based): chr10:98,430,579, C>T on the plus strand (G>A on the coding strand, the complement: HPS1 is on the minus strand). VCF-style: chr10-98430579-C-T. GRCh37 (hg19) VCF-style: chr10-100190336-C-T.
Other names: c.-114G>A (NM_001311345.2, NM_001322489.2); c.760G>A, p.Asp254Asn (NM_001322476.2, NM_001322477.2, NM_001322478.2 and 3 more transcripts); c.499G>A, p.Asp167Asn (NM_001322480.2, NM_001322481.2, NM_001322482.2); c.391G>A, p.Asp131Asn (NM_001322483.2, NM_001322484.2, NM_001322485.2); c.-213G>A (NM_001322487.2); c.642G>A, p.Thr214= (NM_001322490.2, NM_001322492.2); short protein forms D131N, D167N, D254N.
Identifiers: ClinVar variation 1306248 (VCV001306248.4), dbSNP rs376078258, ClinGen allele CA5639303.